The following is an entry in ClinVar:

ClinVar aggregate classification (germline): Uncertain significance (1 of 4 stars; one submission).

Allele frequency attached by ClinVar (database versions not stated): ExAC 0.00002; TOPMed 0.00003; gnomAD 0.00004; ESP Exome Variant Server 0.00008.

Submission:

Labcorp Genetics (formerly Invitae), Labcorp
Classification: Uncertain significance. Last evaluated: 2025-12-23. Review status: criteria provided, single submitter. Criteria: Invitae Variant Classification Sherloc (09022015). Collection method: clinical testing. Allele origin: germline.
Comment: This sequence change replaces arginine, which is basic and polar, with cysteine, which is neutral and slightly polar, at codon 98 of the GJB3 protein (p.Arg98Cys). This variant is present in population databases (rs151179820, gnomAD 0.004%). This variant has not been reported in the literature in individuals affected with GJB3-related conditions. ClinVar contains an entry for this variant (Variation ID: 1440776). Invitae Evidence Modeling of protein sequence and biophysical properties (such as structural, functional, and spatial information, amino acid conservation, physicochemical variation, residue mobility, and thermodynamic stability) has been performed for this missense variant. However, the output from this modeling did not meet the statistical confidence thresholds required to predict the impact of this variant on GJB3 protein function. In summary, the available evidence is currently insufficient to determine the role of this variant in disease. Therefore, it has been classified as a Variant of Uncertain Significance.

NM_024009.3(GJB3):c.292C>T (p.Arg98Cys)

Gene: GJB3 (gap junction protein beta 3; plus strand). Cytogenetic location: 1p34.3.
Variant type: single nucleotide variant.
Coding change: c.292C>T on transcript NM_024009.3 (MANE Select); coding-DNA position 292, C replaced by T.
Protein change: p.Arg98Cys; replaces arginine 98 with cysteine.
Molecular consequence: missense variant.
Genome position (GRCh38, 1-based): chr1:34,785,054, C>T. VCF-style: chr1-34785054-C-T. GRCh37 (hg19) VCF-style: chr1-35250655-C-T.
Other names: c.292C>T, p.Arg98Cys (NM_001005752.2); short protein forms R98C.
Identifiers: ClinVar variation 1440776 (VCV001440776.8), dbSNP rs151179820, ClinGen allele CA754795.